The following is an entry in ClinVar:

NM_000143.4(FH):c.739-17_754delinsGAATTGCATAT

Gene: FH (fumarate hydratase; minus strand). Cytogenetic location: 1q43.
Variant type: Indel.
Coding change: c.739-17_754delinsGAATTGCATAT on transcript NM_000143.4 (MANE Select); 17 bases into the intron before coding-DNA position 739 through coding-DNA position 754, the reference bases replaced by GAATTGCATAT.
Molecular consequence: splice acceptor variant.
Genome position (GRCh38, 1-based): chr1:241,506,153-241,506,185, 33 bases replaced. GRCh37 (hg19): chr1:241,669,453-241,669,485.
Identifiers: ClinVar variation 3278723 (VCV003278723.1).

ClinVar aggregate classification (germline): Likely pathogenic (1 of 4 stars; one submission).

Conditions:
Hereditary cancer-predisposing syndrome. Also called: Tumor predisposition; Hereditary Cancer Syndrome; Hereditary neoplastic syndrome; Neoplastic Syndromes, Hereditary. Identifiers: Orphanet 140162, MedGen C0027672, MeSH D009386, MONDO:0015356.

Submission:

Ambry Genetics
Classification: Likely pathogenic for Hereditary cancer-predisposing syndrome. Last evaluated: 2024-03-27. Review status: criteria provided, single submitter. Criteria: Ambry Variant Classification Scheme 2023. Collection method: clinical testing. Allele origin: germline.
Comment: The c.739-17_754del33insGAATTGCATAT variant results from a deletion of 33 nucleotides and insertion of 11 nucleotides at positions c.739-17 to c.754 and involves the canonical splice acceptor site before coding exon 6 of the FH gene. The canonical splice acceptor site is highly conserved in available vertebrate species. In silico splice site analysis predicts that this alteration will weaken the native splice acceptor site and may result in the creation or strengthening of a novel splice acceptor site. RNA studies have demonstrated that this alteration results in abnormal splicing in the set of samples tested (Ambry internal data). This variant is considered to be rare based on population cohorts in the Genome Aggregation Database (gnomAD). Alterations that disrupt the canonical splice site are expected to cause aberrant splicing, resulting in an abnormal protein or a transcript that is subject to nonsense-mediated mRNA decay. As such, this alteration is classified as likely pathogenic.